The following is an entry in ClinVar:

NM_001378615.1(CC2D2A):c.469G>T (p.Glu157Ter)

Genes: CC2D2A (coiled-coil and C2 domain containing 2A; plus strand), FBXL5 (F-box and leucine rich repeat protein 5; minus strand). Cytogenetic location: 4p15.32.
Variant type: single nucleotide variant.
Coding change: c.469G>T on transcript NM_001378615.1 (MANE Select); coding-DNA position 469, G replaced by T.
Protein change: p.Glu157Ter; replaces glutamic acid 157 with a stop codon.
Molecular consequence: nonsense.
Genome position (GRCh38, 1-based): chr4:15,510,169, G>T. VCF-style: chr4-15510169-G-T. GRCh37 (hg19) VCF-style: chr4-15511792-G-T.
Other names: c.469G>T, p.Glu157Ter (NM_001080522.2); c.322G>T, p.Glu108Ter (NM_001378617.1); short protein forms E108*, E157*.
Identifiers: ClinVar variation 2953567 (VCV002953567.4), dbSNP rs1716487985, ClinGen allele CA356408541.

ClinVar aggregate classification (germline): Pathogenic. Review status: criteria provided, multiple submitters, no conflicts (2 of 4 stars). 2 submissions from 2 submitters: Pathogenic (2). Last evaluated 2024-11-30.

Conditions:
Joubert syndrome and related disorders. Identifiers: Orphanet 140874, MedGen C5679612, MONDO:0015369.
Joubert syndrome. Also called: JOUBERT-BOLTSHAUSER SYNDROME; Familial aplasia of the vermis. Identifiers: Orphanet 475, MedGen C5979921, MONDO:0018772.
Meckel-Gruber syndrome. Also called: DYSENCEPHALIA SPLANCHNOCYSTICA; GRUBER SYNDROME; Dysencephalia splachnocystica. Identifiers: Orphanet 564, MedGen C0265215, MONDO:0018921.

gnomAD v4.1: 1 of 1,613,254 alleles (0.000062%); no homozygotes.

Submissions (2):

Myriad Genetics, Inc.
Classification: Pathogenic for Joubert syndrome and related disorders. Last evaluated: 2024-11-30. Review status: criteria provided, single submitter. Criteria: Myriad Autosomal Dominant, Autosomal Recessive and X-Linked Classification Criteria (2023). Collection method: clinical testing. Allele origin: unknown.
Comment: NM_001080522.2(CC2D2A):c.469G>T(E157*) is expected to be pathogenic in the context of CC2D2A-related disorders. This variant is predicted to lead to an abnormal or absent protein product due to the creation of a premature termination codon in CC2D2A, a gene where loss-of-function variants are known to be pathogenic. Please note: this variant was assessed in the context of healthy population screening.

Labcorp Genetics (formerly Invitae), Labcorp
Classification: Pathogenic for Joubert syndrome; Meckel-Gruber syndrome. Last evaluated: 2023-11-05. Review status: criteria provided, single submitter. Criteria: Invitae Variant Classification Sherloc (09022015). Collection method: clinical testing. Allele origin: germline.
Comment: This sequence change creates a premature translational stop signal (p.Glu157*) in the CC2D2A gene. It is expected to result in an absent or disrupted protein product. Loss-of-function variants in CC2D2A are known to be pathogenic (PMID: 19777577). This variant is not present in population databases (gnomAD no frequency). This variant has not been reported in the literature in individuals affected with CC2D2A-related conditions. Algorithms developed to predict the effect of sequence changes on RNA splicing suggest that this variant may disrupt the consensus splice site. For these reasons, this variant has been classified as Pathogenic.

Literature cited by the submitters: PubMed 19777577 (cited by Labcorp Genetics (formerly Invitae), Labcorp).